The following is an entry in ClinVar:

ClinVar aggregate classification (germline): Uncertain significance (1 of 4 stars; one submission).

Conditions:
Neuropathy, hereditary sensory and autonomic, type 2A (HSAN2A). Also called: WNK1-Related HSAN2 (HSAN2A); MORVAN DISEASE; NEUROPATHY, CONGENITAL SENSORY; NEUROPATHY, HEREDITARY SENSORY RADICULAR, AUTOSOMAL RECESSIVE; NEUROPATHY, HEREDITARY SENSORY, TYPE IIA; NEUROPATHY, PROGRESSIVE SENSORY, OF CHILDREN. Identifiers: Orphanet 970, MedGen C2752089, MONDO:0024309, OMIM 201300.
Generalized epilepsy with febrile seizures plus, type 7 (GEFSP7). Also called: GEFS+, TYPE 7. Identifiers: Orphanet 36387, MedGen C2751778, MONDO:0013470, OMIM 613863.

Allele frequency attached by ClinVar (database versions not stated): gnomAD exomes 0.00001.

Submission:

Labcorp Genetics (formerly Invitae), Labcorp
Classification: Uncertain significance for Neuropathy, hereditary sensory and autonomic, type 2A; Generalized epilepsy with febrile seizures plus, type 7. Last evaluated: 2024-11-18. Review status: criteria provided, single submitter. Criteria: Invitae Variant Classification Sherloc (09022015). Collection method: clinical testing. Allele origin: germline.
Comment: This sequence change replaces lysine, which is basic and polar, with arginine, which is basic and polar, at codon 723 of the SCN9A protein (p.Lys723Arg). This variant is not present in population databases (gnomAD no frequency). This variant has not been reported in the literature in individuals affected with SCN9A-related conditions. ClinVar contains an entry for this variant (Variation ID: 1041538). Invitae Evidence Modeling of protein sequence and biophysical properties (such as structural, functional, and spatial information, amino acid conservation, physicochemical variation, residue mobility, and thermodynamic stability) indicates that this missense variant is not expected to disrupt SCN9A protein function with a negative predictive value of 95%. In summary, the available evidence is currently insufficient to determine the role of this variant in disease. Therefore, it has been classified as a Variant of Uncertain Significance.

NM_001365536.1(SCN9A):c.2201A>G (p.Lys734Arg)

Genes: SCN9A (sodium voltage-gated channel alpha subunit 9; minus strand), SCN1A-AS1 (SCN1A and SCN9A antisense RNA 1; plus strand). Cytogenetic location: 2q24.3.
Variant type: single nucleotide variant.
Coding change: c.2201A>G on transcript NM_001365536.1 (MANE Select); coding-DNA position 2201, A replaced by G.
Protein change: p.Lys734Arg; replaces lysine 734 with arginine.
Molecular consequence: missense variant.
Genome position (GRCh38, 1-based): chr2:166,280,499, T>C on the plus strand (A>G on the coding strand, the complement: SCN9A is on the minus strand). VCF-style: chr2-166280499-T-C. GRCh37 (hg19) VCF-style: chr2-167137009-T-C.
Other names: c.2168A>G, p.Lys723Arg (NM_002977.4); short protein forms K734R, K723R.
Identifiers: ClinVar variation 1041538 (VCV001041538.9), dbSNP rs1697431230, ClinGen allele CA349079739.